The following is an entry in ClinVar:

ClinVar aggregate classification (germline): Likely pathogenic (1 of 4 stars; one submission).

Conditions:
Polycystic kidney disease, adult type (PKD1). Also called: POLYCYSTIC KIDNEY DISEASE, ADULT, TYPE I; Polycystic Kidney Disease 1, Autosomal Dominant; Polycystic kidney disease 1; Polycystic kidney disease 1, severe; POLYCYSTIC KIDNEY DISEASE 1 WITH OR WITHOUT POLYCYSTIC LIVER DISEASE; Polycystic Kidney, Autosomal Dominant. Identifiers: MedGen C3149841, MONDO:0008263, OMIM 173900.

Submission:

MVZ Medizinische Genetik Mainz
Classification: Likely pathogenic for Polycystic kidney disease, adult type. Last evaluated: 2025-08-15. Review status: criteria provided, single submitter. Criteria: UK Practice Guidelines For Variant Classification V4 01 2020. Collection method: clinical testing. Allele origin: germline. Inheritance: Autosomal dominant inheritance. Affected: yes. Observed: 1 variant allele.
Comment: ACMG Criteria: PS1,PVS1_MOD,PM2_SUP,PP4

NM_001009944.3(PKD1):c.8162-2A>C

Gene: PKD1 (polycystin 1, transient receptor potential channel interacting; minus strand). Cytogenetic location: 16p13.3.
Variant type: single nucleotide variant.
Coding change: c.8162-2A>C on transcript NM_001009944.3 (MANE Select); the canonical splice acceptor site of the intron before coding-DNA position 8162, A replaced by C.
Molecular consequence: splice acceptor variant.
Genome position (GRCh38, 1-based): chr16:2,103,897, T>G on the plus strand (A>C on the coding strand, the complement: PKD1 is on the minus strand). VCF-style: chr16-2103897-T-G. GRCh37 (hg19) VCF-style: chr16-2153898-T-G.
Other names: c.8162-2A>C (NM_000296.4).
Identifiers: ClinVar variation 4077060 (VCV004077060.1).